The following is an entry in ClinVar:

NM_000238.4(KCNH2):c.322T>C (p.Cys108Arg)

Gene: KCNH2 (potassium voltage-gated channel subfamily H member 2; minus strand). Cytogenetic location: 7q36.1.
Variant type: single nucleotide variant.
Coding change: c.322T>C on transcript NM_000238.4 (MANE Select); coding-DNA position 322, T replaced by C.
Protein change: p.Cys108Arg; replaces cysteine 108 with arginine.
Molecular consequence: missense variant.
Genome position (GRCh38, 1-based): chr7:150,959,722, A>G on the plus strand (T>C on the coding strand, the complement: KCNH2 is on the minus strand). VCF-style: chr7-150959722-A-G. GRCh37 (hg19) VCF-style: chr7-150656810-A-G.
Other names: c.322T>C (LRG_288t1); c.34T>C, p.Cys12Arg (NM_001406753.1, NM_001406756.1); c.145T>C, p.Cys49Arg (NM_001406755.1); c.22T>C, p.Cys8Arg (NM_001406757.1); c.322T>C, p.Cys108Arg (NM_172056.3); short protein forms C108R, C12R, C8R, C49R.
Identifiers: ClinVar variation 67482 (VCV000067482.8), dbSNP rs199472859, ClinGen allele CA008126.

ClinVar aggregate classification (germline): Likely pathogenic. Review status: criteria provided, single submitter (1 of 4 stars). 2 submissions from 2 submitters: Likely pathogenic (1). 1 of the submissions does not count toward it. Last evaluated 2026-01-19.

Conditions:
Familial long QT syndrome (RWS). Also called: Congenital long QT syndrome; Romano-Ward syndrome; VENTRICULAR FIBRILLATION WITH PROLONGED QT INTERVAL. Identifiers: Orphanet 768, MedGen C1141890, MONDO:0019171.
Long QT syndrome (LQTS). Identifiers: MedGen C0023976, MeSH D008133, MONDO:0002442. Disease mechanism: loss of function. Inheritance: Various modes of inheritance.

Submissions (2):

Labcorp Genetics (formerly Invitae), Labcorp
Classification: Likely pathogenic for Long QT syndrome. Last evaluated: 2026-01-19. Review status: criteria provided, single submitter. Criteria: Invitae Variant Classification Sherloc (09022015). Collection method: clinical testing. Allele origin: germline.
Comment: This sequence change replaces cysteine, which is neutral and slightly polar, with arginine, which is basic and polar, at codon 108 of the KCNH2 protein (p.Cys108Arg). This variant is not present in population databases (gnomAD no frequency). This missense change has been observed in individuals with clinical features of long QT syndrome (PMID: 19716085; internal data). It has also been observed to segregate with disease in related individuals. ClinVar contains an entry for this variant (Variation ID: 67482). An algorithm developed to predict the effect of missense changes on protein structure and function (PolyPhen-2) suggests that this variant is likely to be disruptive. Experimental studies have shown that this missense change affects KCNH2 function (PMID: 25417810, 32475984). This variant disrupts the p.Cys108 amino acid residue in KCNH2. Other variant(s) that disrupt this residue have been observed in individuals with KCNH2-related conditions (PMID: 28749435), which suggests that this may be a clinically significant amino acid residue. In summary, the currently available evidence indicates that the variant is pathogenic, but additional data are needed to prove that conclusively. Therefore, this variant has been classified as Likely Pathogenic.

Cardiovascular Biomedical Research Unit, Royal Brompton & Harefield NHS Foundation Trust
No classification provided. Condition: Familial long QT syndrome. Review status: no classification provided. Collection method: literature only. Allele origin: germline. Not counted in ClinVar's aggregate classification.
Comment: This variant has been reported as associated with Long QT syndrome in the following publications (PMID:19716085). This is a literature report, and does not necessarily reflect the clinical interpretation of the Imperial College / Royal Brompton Cardiovascular Genetics laboratory.

Literature cited by the submitters: PubMed 19716085 (cited by Labcorp Genetics (formerly Invitae), Labcorp and Cardiovascular Biomedical Research Unit, Royal Brompton & Harefield NHS Foundation Trust); PubMed 25417810 (cited by Labcorp Genetics (formerly Invitae), Labcorp); PubMed 32475984 (cited by Labcorp Genetics (formerly Invitae), Labcorp); PubMed 28749435 (cited by Labcorp Genetics (formerly Invitae), Labcorp); PubMed 22581653 (cited by Cardiovascular Biomedical Research Unit, Royal Brompton & Harefield NHS Foundation Trust).